The following is an entry in ClinVar:

NM_000551.4(VHL):c.231C>A (p.Cys77Ter)

Gene: VHL (von Hippel-Lindau tumor suppressor; plus strand). Cytogenetic location: 3p25.3.
Variant type: single nucleotide variant.
Coding change: c.231C>A on transcript NM_000551.4 (MANE Select); coding-DNA position 231, C replaced by A.
Protein change: p.Cys77Ter; replaces cysteine 77 with a stop codon.
Molecular consequence: nonsense.
Genome position (GRCh38, 1-based): chr3:10,142,078, C>A. VCF-style: chr3-10142078-C-A. GRCh37 (hg19) VCF-style: chr3-10183762-C-A.
Other names: c.231C>A, p.Cys77Ter (NM_001354723.2, NM_198156.3); short protein forms C77*.
Identifiers: ClinVar variation 2028206 (VCV002028206.5), dbSNP rs2125125069, ClinGen allele CA351749279.

ClinVar aggregate classification (germline): Pathogenic/Likely pathogenic. Review status: criteria provided, multiple submitters, no conflicts (2 of 4 stars). 2 submissions from 2 submitters: Pathogenic (1); Likely pathogenic (1). Last evaluated 2024-04-10.

Conditions:
Von Hippel-Lindau syndrome (VHLS). Also called: Von Hippel-Lindau; VHL syndrome; von Hippel–Lindau syndrome. Identifiers: Orphanet 892, MedGen C0019562, MONDO:0008667, OMIM 193300. Disease mechanism: loss of function.
Chuvash polycythemia. Also called: POLYCYTHEMIA, VHL-DEPENDENT. Identifiers: Orphanet 238557, MedGen C1837915, MONDO:0009892, OMIM 263400.
VHL-related disorder. Also called: VHL-related condition.

Submissions (2):

Labcorp Genetics (formerly Invitae), Labcorp
Classification: Pathogenic for Von Hippel-Lindau syndrome; Chuvash polycythemia. Last evaluated: 2024-04-10. Review status: criteria provided, single submitter. Criteria: Invitae Variant Classification Sherloc (09022015). Collection method: clinical testing. Allele origin: germline.
Comment: This sequence change creates a premature translational stop signal (p.Cys77*) in the VHL gene. It is expected to result in an absent or disrupted protein product. Loss-of-function variants in VHL are known to be pathogenic (PMID: 8956040, 12202531). This variant is not present in population databases (gnomAD no frequency). This premature translational stop signal has been observed in individual(s) with clinical features of von Hippel-Lindau syndrome (PMID: 21715564). ClinVar contains an entry for this variant (Variation ID: 2028206). For these reasons, this variant has been classified as Pathogenic.

Blueprint Genetics
Classification: Likely pathogenic for VHL-related disorders. Last evaluated: 2022-07-14. Review status: criteria provided, single submitter. Criteria: ACMG Guidelines, 2015. Collection method: clinical testing. Allele origin: germline. Affected: yes. Observed: 1 variant allele.

Literature cited by the submitters: PubMed 8956040 (cited by Labcorp Genetics (formerly Invitae), Labcorp); PubMed 12202531 (cited by Labcorp Genetics (formerly Invitae), Labcorp); PubMed 21715564 (cited by Labcorp Genetics (formerly Invitae), Labcorp).